The following is an entry in ClinVar:

NM_002114.4(HIVEP1):c.1497C>T (p.Gly499=)

Gene: HIVEP1 (HIVEP zinc finger 1; plus strand). Cytogenetic location: 6p24.1.
Variant type: single nucleotide variant.
Coding change: c.1497C>T on transcript NM_002114.4 (MANE Select); coding-DNA position 1497, C replaced by T.
Protein change: p.Gly499=; no amino-acid change (glycine 499 retained).
Molecular consequence: synonymous variant.
Genome position (GRCh38, 1-based): chr6:12,121,292, C>T. VCF-style: chr6-12121292-C-T. GRCh37 (hg19) VCF-style: chr6-12121525-C-T.
Identifiers: ClinVar variation 2656229 (VCV002656229.24), dbSNP rs770702579, ClinGen allele CA3637212.

ClinVar aggregate classification (germline): Likely benign (1 of 4 stars; one submission).

Allele frequency attached by ClinVar (database versions not stated): gnomAD 0.00003; gnomAD exomes 0.00005; ExAC 0.00018.
gnomAD v4.1: 83 of 1,613,954 alleles (0.0051%); highest among the groups gnomAD compares: South Asian, 0.069%; no homozygotes.

Submission:

CeGaT Center for Human Genetics Tuebingen
Classification: Likely benign. Last evaluated: 2022-07-01. Review status: criteria provided, single submitter. Criteria: CeGaT Center For Human Genetics Tuebingen Variant Classification Criteria Version 2. Collection method: clinical testing. Allele origin: germline. Affected: yes. Observed: 1 variant allele.
Comment: HIVEP1: BP4, BP7